The following is an entry in ClinVar:

NM_001039111.3(TRIM71):c.1534C>G (p.His512Asp)

Gene: TRIM71 (tripartite motif containing 71; plus strand). Cytogenetic location: 3p22.3.
Variant type: single nucleotide variant.
Coding change: c.1534C>G on transcript NM_001039111.3 (MANE Select); coding-DNA position 1534, C replaced by G.
Protein change: p.His512Asp; replaces histidine 512 with aspartic acid.
Molecular consequence: missense variant.
Genome position (GRCh38, 1-based): chr3:32,890,738, C>G. VCF-style: chr3-32890738-C-G. GRCh37 (hg19) VCF-style: chr3-32932230-C-G.
Other names: short protein forms H512D.
Identifiers: ClinVar variation 2504721 (VCV002504721.1), dbSNP rs2471094455, ClinGen allele CA351987323.

ClinVar aggregate classification (germline): Uncertain significance (1 of 4 stars; one submission).

Allele frequency attached by ClinVar (database versions not stated): gnomAD exomes below 0.00001.
gnomAD v4.1: 1 of 1,614,102 alleles (0.000062%); highest among the groups gnomAD compares: Non-Finnish European, 0.000085%; no homozygotes.

Submission:

GeneDx
Classification: Uncertain significance. Last evaluated: 2022-12-08. Review status: criteria provided, single submitter. Criteria: GeneDx Variant Classification Process June 2021. Collection method: clinical testing. Allele origin: germline. Affected: yes.
Comment: Not observed at significant frequency in large population cohorts (gnomAD); In silico analysis supports that this missense variant has a deleterious effect on protein structure/function; Has not been previously published as pathogenic or benign to our knowledge